The following is an entry in ClinVar:

NM_000829.4(GRIA4):c.2090G>C (p.Arg697Pro)

Gene: GRIA4 (glutamate ionotropic receptor AMPA type subunit 4; plus strand). Cytogenetic location: 11q22.3.
Variant type: single nucleotide variant.
Coding change: c.2090G>C on transcript NM_000829.4 (MANE Select); coding-DNA position 2090, G replaced by C.
Protein change: p.Arg697Pro; replaces arginine 697 with proline.
Molecular consequence: missense variant. On other transcripts: non-coding transcript variant (1).
Genome position (GRCh38, 1-based): chr11:105,933,765, G>C. VCF-style: chr11-105933765-G-C. GRCh37 (hg19) VCF-style: chr11-105804491-G-C.
Other names: c.2090G>C, p.Arg697Pro (NM_001077243.3); short protein forms R697P.
Identifiers: ClinVar variation 446210 (VCV000446210.5), dbSNP rs765556214, ClinGen allele CA382302194.

ClinVar aggregate classification (germline): Likely pathogenic. Review status: criteria provided, single submitter (1 of 4 stars). 3 submissions from 2 submitters: Likely pathogenic (1). 2 of the submissions do not count toward it. Last evaluated 2023-05-10.

Conditions:
Neurodevelopmental disorder with or without seizures and gait abnormalities. Identifiers: MedGen C4693391, MONDO:0060641, OMIM 617864.
Intellectual disability. Also called: Intellectual developmental disorder; Intellectual functioning disability; intellectual disabilities. Identifiers: MedGen C3714756, MeSH D008607, MONDO:0001071, HP:0001249.

Submissions (3):

Institute of Human Genetics, University of Leipzig Medical Center
Classification: Likely pathogenic for Neurodevelopmental disorder with or without seizures and gait abnormalities. Last evaluated: 2023-05-10. Review status: criteria provided, single submitter. Criteria: ACMG Guidelines, 2015. Collection method: clinical testing. Allele origin: de novo. Inheritance: Autosomal dominant inheritance. Affected: yes.
Comment: Criteria applied: PS2, PM1, PM2_SUP

OMIM
Classification: Pathogenic for NEURODEVELOPMENTAL DISORDER WITHOUT SEIZURES OR GAIT ABNORMALITIES. Last evaluated: 2018-02-07. Review status: no assertion criteria provided. Collection method: literature only. Allele origin: germline. Not counted in ClinVar's aggregate classification.

Institute of Human Genetics, University of Leipzig Medical Center
Classification: Likely pathogenic for intellectual disability. Review status: no assertion criteria provided. Collection method: research. Allele origin: de novo. Affected: yes. Not counted in ClinVar's aggregate classification.

Literature cited by the submitters: PubMed 29220673 (cited by OMIM).